The following is an entry in ClinVar:

NM_001142800.2(EYS):c.4702C>T (p.Arg1568Cys)

Gene: EYS (eyes shut homolog; minus strand). Cytogenetic location: 6q12.
Variant type: single nucleotide variant.
Coding change: c.4702C>T on transcript NM_001142800.2 (MANE Select); coding-DNA position 4702, C replaced by T.
Protein change: p.Arg1568Cys; replaces arginine 1568 with cysteine.
Molecular consequence: missense variant.
Genome position (GRCh38, 1-based): chr6:64,591,165, G>A on the plus strand (C>T on the coding strand, the complement: EYS is on the minus strand). VCF-style: chr6-64591165-G-A. GRCh37 (hg19) VCF-style: chr6-65301058-G-A.
Other names: c.4702C>T, p.Arg1568Cys (NM_001292009.2); c.4702C>T (NM_001142800.1); short protein forms R1568C.
Identifiers: ClinVar variation 2172102 (VCV002172102.2), dbSNP rs1332331626, ClinGen allele CA364782733.

ClinVar aggregate classification (germline): Uncertain significance. Review status: criteria provided, multiple submitters, no conflicts (2 of 4 stars). 2 submissions from 2 submitters: Uncertain significance (2). Last evaluated 2022-07-18.

Conditions:
Inborn genetic diseases. Identifiers: MedGen C0950123, MeSH D030342.

Allele frequency attached by ClinVar (database versions not stated): TOPMed below 0.00001; gnomAD 0.00001; gnomAD exomes 0.00002.
gnomAD v4.1: 25 of 1,551,136 alleles (0.0016%); highest among the groups gnomAD compares: Admixed American, 0.0059%; no homozygotes.

Submissions (2):

Labcorp Genetics (formerly Invitae), Labcorp
Classification: Uncertain significance. Last evaluated: 2022-07-18. Review status: criteria provided, single submitter. Criteria: Invitae Variant Classification Sherloc (09022015). Collection method: clinical testing. Allele origin: germline.
Comment: This sequence change replaces arginine, which is basic and polar, with cysteine, which is neutral and slightly polar, at codon 1568 of the EYS protein (p.Arg1568Cys). This variant is present in population databases (no rsID available, gnomAD 0.02%). This variant has not been reported in the literature in individuals affected with EYS-related conditions. Algorithms developed to predict the effect of missense changes on protein structure and function (SIFT, PolyPhen-2, Align-GVGD) all suggest that this variant is likely to be tolerated. In summary, the available evidence is currently insufficient to determine the role of this variant in disease. Therefore, it has been classified as a Variant of Uncertain Significance.

Ambry Genetics
Classification: Uncertain significance for Inborn genetic diseases. Last evaluated: 2022-05-18. Review status: criteria provided, single submitter. Criteria: Ambry Variant Classification Scheme 2023. Collection method: clinical testing. Allele origin: germline.